The following is an entry in ClinVar:

ClinVar aggregate classification (germline): Pathogenic (1 of 4 stars; one submission).

Conditions:
Congenital anomalies of kidney and urinary tract syndrome with or without hearing loss, abnormal ears, or developmental delay. Also called: Congenital Anomalies of the Kidney and Urinary Tract syndrome with or without Hearing Loss, Abnormal Ears, or Developmental Delay. Identifiers: Orphanet 656130, MedGen C4539968, MONDO:0060549, OMIM 617641.

Submission:

MVZ Medizinische Genetik Mainz
Classification: Pathogenic for Congenital anomalies of kidney and urinary tract syndrome with or without hearing loss, abnormal ears, or developmental delay. Last evaluated: 2023-11-02. Review status: criteria provided, single submitter. Criteria: UK Practice Guidelines For Variant Classification V4 01 2020. Collection method: clinical testing. Allele origin: germline. Inheritance: Autosomal dominant inheritance. Affected: yes. Observed: 1 variant allele.
Comment: ACMG Criteria: PVS1,PM2_SUP

NM_002585.4(PBX1):c.667dup (p.Val223fs)

Gene: PBX1 (PBX homeobox 1; plus strand). Cytogenetic location: 1q23.3.
Variant type: Duplication.
Coding change: c.667dup on transcript NM_002585.4 (MANE Select); coding-DNA position 667, one base duplicated (G; older notation c.667dupG).
Protein change: p.Val223fs; shifts the reading frame from valine 223.
Molecular consequence: frameshift variant.
Genome position (GRCh38, 1-based): chr1:164,799,855, G duplicated; the last of 2 consecutive G bases (chr1:164,799,854-164,799,855); duplicating either gives the same sequence. VCF-style (leftmost placement, unchanged base first): chr1-164799853-C-CG. GRCh37 (hg19) VCF-style: chr1-164769090-C-CG.
Other names: c.667dup, p.Val223fs (NM_001204961.2, NM_001204963.2, NM_001353131.2); c.418dup, p.Val140fs (NM_001353130.1); short protein forms V140fs, V223fs.
Identifiers: ClinVar variation 3235971 (VCV003235971.1), dbSNP rs2526810325, ClinGen allele CA2825000870.